The following is an entry in ClinVar:

NM_182914.3(SYNE2):c.12370G>A (p.Val4124Met)

Gene: SYNE2 (spectrin repeat containing nuclear envelope protein 2; plus strand). Cytogenetic location: 14q23.2.
Variant type: single nucleotide variant.
Coding change: c.12370G>A on transcript NM_182914.3 (MANE Select); coding-DNA position 12370, G replaced by A.
Protein change: p.Val4124Met; replaces valine 4124 with methionine.
Molecular consequence: missense variant.
Genome position (GRCh38, 1-based): chr14:64,098,810, G>A. VCF-style: chr14-64098810-G-A. GRCh37 (hg19) VCF-style: chr14-64565528-G-A.
Other names: c.12370G>A, p.Val4124Met (NM_015180.6); short protein forms V4124M.
Identifiers: ClinVar variation 1498200 (VCV001498200.6), dbSNP rs370255444, ClinGen allele CA7222099.

ClinVar aggregate classification (germline): Uncertain significance (1 of 4 stars; one submission).

Conditions:
Emery-Dreifuss muscular dystrophy 5, autosomal dominant (EDMD5). Also called: EMERY-DREIFUSS MUSCULAR DYSTROPHY 5. Identifiers: Orphanet 261, MedGen C2751805, MONDO:0013072, OMIM 612999.

gnomAD v4.1: 38 of 1,613,964 alleles (0.0024%); highest among the groups gnomAD compares: Admixed American, 0.01%; no homozygotes.

Submission:

Labcorp Genetics (formerly Invitae), Labcorp
Classification: Uncertain significance for Emery-Dreifuss muscular dystrophy 5, autosomal dominant. Last evaluated: 2024-07-22. Review status: criteria provided, single submitter. Criteria: Invitae Variant Classification Sherloc (09022015). Collection method: clinical testing. Allele origin: germline.
Comment: This sequence change replaces valine, which is neutral and non-polar, with methionine, which is neutral and non-polar, at codon 4124 of the SYNE2 protein (p.Val4124Met). This variant is present in population databases (rs370255444, gnomAD 0.01%). This variant has not been reported in the literature in individuals affected with SYNE2-related conditions. ClinVar contains an entry for this variant (Variation ID: 1498200). An algorithm developed to predict the effect of missense changes on protein structure and function outputs the following: PolyPhen-2: "Benign". The methionine amino acid residue is found in multiple mammalian species, which suggests that this missense change does not adversely affect protein function. In summary, the available evidence is currently insufficient to determine the role of this variant in disease. Therefore, it has been classified as a Variant of Uncertain Significance.